The following is an entry in ClinVar:

NM_018489.3(ASH1L):c.3476G>A (p.Arg1159Lys)

Gene: ASH1L (ASH1 like histone lysine methyltransferase; minus strand). Cytogenetic location: 1q22.
Variant type: single nucleotide variant.
Coding change: c.3476G>A on transcript NM_018489.3 (MANE Select); coding-DNA position 3476, G replaced by A.
Protein change: p.Arg1159Lys; replaces arginine 1159 with lysine.
Molecular consequence: missense variant.
Genome position (GRCh38, 1-based): chr1:155,479,394, C>T on the plus strand (G>A on the coding strand, the complement: ASH1L is on the minus strand). VCF-style: chr1-155479394-C-T. GRCh37 (hg19) VCF-style: chr1-155449185-C-T.
Other names: c.3476G>A, p.Arg1159Lys (NM_001366177.2); short protein forms R1159K.
Identifiers: ClinVar variation 4281354 (VCV004281354.7).

ClinVar aggregate classification (germline): Uncertain significance (1 of 4 stars; one submission).

gnomAD v4.1: 2 of 1,614,098 alleles (0.00012%); highest among the groups gnomAD compares: Non-Finnish European, 0.00017%; no homozygotes.

Submission:

CeGaT Center for Human Genetics Tuebingen
Classification: Uncertain significance. Last evaluated: 2025-09-01. Review status: criteria provided, single submitter. Criteria: CeGaT Center For Human Genetics Tuebingen Variant Classification Criteria Version 2. Collection method: clinical testing. Allele origin: germline. Affected: yes. Observed: 1 variant allele.
Comment: ASH1L: PM2